The following is an entry in ClinVar:

ClinVar aggregate classification (germline): Uncertain significance (1 of 4 stars; one submission).

Conditions:
Hereditary cancer-predisposing syndrome. Also called: Neoplastic Syndromes, Hereditary; Tumor predisposition; Hereditary neoplastic syndrome; Hereditary Cancer Syndrome. Identifiers: Orphanet 140162, MedGen C0027672, MeSH D009386, MONDO:0015356.

Submission:

Ambry Genetics
Classification: Uncertain significance for Hereditary cancer-predisposing syndrome. Last evaluated: 2024-02-27. Review status: criteria provided, single submitter. Criteria: Ambry Variant Classification Scheme 2023. Collection method: clinical testing. Allele origin: germline.
Comment: The p.M314T variant (also known as c.941T>C), located in coding exon 9 of the APC gene, results from a T to C substitution at nucleotide position 941. The methionine at codon 314 is replaced by threonine, an amino acid with similar properties. This amino acid position is highly conserved in available vertebrate species. In addition, in silico predictors for this gene do not accurately predict pathogenicity. Based on the available evidence, the clinical significance of this alteration remains unclear.

NM_000038.6(APC):c.941T>C (p.Met314Thr)

Gene: APC (APC regulator of Wnt signaling pathway; plus strand). Cytogenetic location: 5q22.2.
Variant type: single nucleotide variant.
Coding change: c.941T>C on transcript NM_000038.6 (MANE Select); coding-DNA position 941, T replaced by C.
Protein change: p.Met314Thr; replaces methionine 314 with threonine.
Molecular consequence: missense variant. On other transcripts: non-coding transcript variant (2), intron variant (15).
Genome position (GRCh38, 1-based): chr5:112,818,973, T>C. VCF-style: chr5-112818973-T-C. GRCh37 (hg19) VCF-style: chr5-112154670-T-C.
Other names: c.941T>C, p.Met314Thr (NM_001127510.3, NM_001354895.2, NM_001354896.2 and 4 more transcripts); c.887T>C, p.Met296Thr (NM_001127511.3); c.971T>C, p.Met324Thr (NM_001354897.2, NM_001407446.1); c.866T>C, p.Met289Thr (NM_001354898.2, NM_001407451.1); c.857T>C, p.Met286Thr (NM_001354899.2, NM_001407452.1); c.764T>C, p.Met255Thr (NM_001354900.2, NM_001354901.2, NM_001407453.1); c.92T>C, p.Met31Thr (NM_001354906.2, NM_001407470.1); c.85-296T>C (NM_001407472.1, NM_001407471.1); and 5 more; short protein forms M255T, M286T, M289T, M296T, M314T, M31T, M324T.
Identifiers: ClinVar variation 3231876 (VCV003231876.1), dbSNP rs2533034134, ClinGen allele CA16023369.